The following is an entry in ClinVar:

NM_014314.4(RIGI):c.2066G>A (p.Gly689Glu)

Gene: RIGI (RNA sensor RIG-I; minus strand). Cytogenetic location: 9p21.1.
Variant type: single nucleotide variant.
Coding change: c.2066G>A on transcript NM_014314.4 (MANE Select); coding-DNA position 2066, G replaced by A.
Protein change: p.Gly689Glu; replaces glycine 689 with glutamic acid.
Molecular consequence: missense variant. On other transcripts: intron variant (1).
Genome position (GRCh38, 1-based): chr9:32,467,881, C>T on the plus strand (G>A on the coding strand, the complement: RIGI is on the minus strand). VCF-style: chr9-32467881-C-T. GRCh37 (hg19) VCF-style: chr9-32467879-C-T.
Other names: c.2060G>A, p.Gly687Glu (NM_001385907.1); c.1625G>A, p.Gly542Glu (NM_001385910.1); c.1457G>A, p.Gly486Glu (NM_001385912.1); c.2051G>A, p.Gly684Glu (NM_001385913.1); c.1622G>A, p.Gly541Glu (NM_001385914.1); c.2015-1440G>A (NM_001385909.1); short protein forms G486E, G541E, G684E, G687E, G542E, G689E.
Identifiers: ClinVar variation 2066888 (VCV002066888.5), dbSNP rs754776855, ClinGen allele CA192362167.

ClinVar aggregate classification (germline): Uncertain significance. Review status: criteria provided, multiple submitters, no conflicts (2 of 4 stars). 2 submissions from 2 submitters: Uncertain significance (2). Last evaluated 2025-11-17.

Submissions (2):

Labcorp Genetics (formerly Invitae), Labcorp
Classification: Uncertain significance. Last evaluated: 2025-11-17. Review status: criteria provided, single submitter. Criteria: Invitae Variant Classification Sherloc (09022015). Collection method: clinical testing. Allele origin: germline.
Comment: This sequence change replaces glycine, which is neutral and non-polar, with glutamic acid, which is acidic and polar, at codon 689 of the DDX58 protein (p.Gly689Glu). This variant is not present in population databases (gnomAD no frequency). This variant has not been reported in the literature in individuals affected with DDX58-related conditions. ClinVar contains an entry for this variant (Variation ID: 2066888). Invitae Evidence Modeling of protein sequence and biophysical properties (such as structural, functional, and spatial information, amino acid conservation, physicochemical variation, residue mobility, and thermodynamic stability) indicates that this missense variant is expected to disrupt DDX58 protein function with a positive predictive value of 80%. In summary, the available evidence is currently insufficient to determine the role of this variant in disease. Therefore, it has been classified as a Variant of Uncertain Significance.

Blueprint Genetics
Classification: Uncertain significance. Last evaluated: 2024-09-25. Review status: criteria provided, single submitter. Criteria: ACMG Guidelines, 2015. Collection method: clinical testing. Allele origin: germline.